The following is an entry in ClinVar:

NM_017780.4(CHD7):c.2716G>A (p.Val906Met)

Gene: CHD7 (chromodomain helicase DNA binding protein 7; plus strand). Cytogenetic location: 8q12.2.
Variant type: single nucleotide variant.
Coding change: c.2716G>A on transcript NM_017780.4 (MANE Select); coding-DNA position 2716, G replaced by A.
Protein change: p.Val906Met; replaces valine 906 with methionine.
Molecular consequence: missense variant. On other transcripts: intron variant (1).
Genome position (GRCh38, 1-based): chr8:60,821,808, G>A. VCF-style: chr8-60821808-G-A. GRCh37 (hg19) VCF-style: chr8-61734367-G-A.
Other names: c.1717-40421G>A (NM_001316690.1); short protein forms V906M.
Identifiers: ClinVar variation 3254538 (VCV003254538.1), dbSNP rs2487804647.
Genomic context (GRCh38, chr8:60,821,808, plus strand): 5'-GGTCAAATGAATCCAATTCTGATTTATTTAAATCTGGTCCAGCCTGTGACTCACTATCTG[G>A]TGAAGTGGTGTTCACTTCCTTATGAAGACAGCACGTGGGAGCGGAGGCAGGACATAGATC-3'
Protein context (NP_060250.2, residues 896-916): DRGEPVTHYL[Val906Met]KWCSLPYEDS

ClinVar aggregate classification (germline): Uncertain significance (1 of 4 stars; one submission).

Conditions:
CHARGE syndrome (CHARGE). Also called: Hittner Hirsch Kreh syndrome; CHARGE ASSOCIATION--COLOBOMA, HEART ANOMALY, CHOANAL ATRESIA, RETARDATION, GENITAL AND EAR ANOMALIES; Coloboma, heart anomaly, choanal atresia, retardation, genital and ear anomalies; CHARGE association; Hall-Hittner syndrome. Identifiers: Orphanet 138, MedGen C0265354, MONDO:0008965.

Submission:

Victorian Clinical Genetics Services, Murdoch Childrens Research Institute
Classification: Uncertain significance for CHD7-related CHARGE syndrome. Last evaluated: 2022-06-24. Review status: criteria provided, single submitter. Criteria: ACMG Guidelines, 2015. Collection method: clinical testing. Allele origin: germline. Inheritance: Autosomal dominant inheritance. Affected: yes.
Comment: Based on the classification scheme VCGS_Germline_v1.3.4, this variant is classified as VUS-3A. Following criteria are met: 0102 - Loss of function is a known mechanism of disease in this gene and is associated with CHARGE syndrome (MIM#214800). (I) 0107 - This gene is associated with autosomal dominant disease. (I) 0200 - Variant is predicted to result in a missense amino acid change from valine to methionine. (I) 0251 - This variant is heterozygous. (I) 0301 - Variant is absent from gnomAD (both v2 and v3). (SP) 0501 - Missense variant consistently predicted to be damaging by multiple in silico tools or highly conserved with a major amino acid change. (SP) 0600 - Variant is located in the annotated CD2 tandem CHD5-9 like domain (NCBI). (I) 0705 - No comparable missense variants have previous evidence for pathogenicity. (I) 0807 - This variant has no previous evidence of pathogenicity. (I) 0905 - No published segregation evidence has been identified for this variant. (I) 1007 - No published functional evidence has been identified for this variant. (SP) Legend: (SP) - Supporting pathogenic, (I) - Information, (SB) - Supporting benign